The following is an entry in ClinVar:

ClinVar aggregate classification (germline): Conflicting classifications of pathogenicity. Review status: criteria provided, conflicting classifications (1 of 4 stars). 3 submissions from 3 submitters: Uncertain significance (2); Likely benign (1). Last evaluated 2025-07-29.

Conditions:
Aortic aneurysm, familial thoracic 7 (AAT7). Also called: AORTIC DISSECTION, FAMILIAL, WITH OR WITHOUT AORTIC ANEURYSM. Identifiers: MedGen C3151077, MONDO:0013418, OMIM 613780.
Familial thoracic aortic aneurysm and aortic dissection (TAAD). Also called: Thoracic aortic aneurysms and dissections. Identifiers: Orphanet 91387, MedGen C4707243, MONDO:0019625.

Allele frequency attached by ClinVar (database versions not stated): gnomAD 0.00003 and 0.00004; gnomAD exomes 0.00003; ExAC 0.00004; TOPMed 0.00004.
gnomAD v4.1: 44 of 1,614,084 alleles (0.0027%); highest among the groups gnomAD compares: Middle Eastern, 0.066%; no homozygotes.

Submissions (3):

Ambry Genetics
Classification: Likely benign for Familial thoracic aortic aneurysm and aortic dissection. Last evaluated: 2025-07-29. Review status: criteria provided, single submitter. Criteria: Ambry Variant Classification Scheme 2023. Collection method: clinical testing. Allele origin: germline.

Labcorp Genetics (formerly Invitae), Labcorp
Classification: Uncertain significance for Aortic aneurysm, familial thoracic 7. Last evaluated: 2025-07-20. Review status: criteria provided, single submitter. Criteria: Invitae Variant Classification Sherloc (09022015). Collection method: clinical testing. Allele origin: germline.
Comment: This sequence change replaces serine, which is neutral and polar, with leucine, which is neutral and non-polar, at codon 9 of the MYLK protein (p.Ser9Leu). This variant is present in population databases (rs779148876, gnomAD 0.01%). This variant has not been reported in the literature in individuals affected with MYLK-related conditions. ClinVar contains an entry for this variant (Variation ID: 1315894). Invitae Evidence Modeling of protein sequence and biophysical properties (such as structural, functional, and spatial information, amino acid conservation, physicochemical variation, residue mobility, and thermodynamic stability) indicates that this missense variant is not expected to disrupt MYLK protein function with a negative predictive value of 95%. In summary, the available evidence is currently insufficient to determine the role of this variant in disease. Therefore, it has been classified as a Variant of Uncertain Significance.

GeneDx
Classification: Uncertain significance. Last evaluated: 2020-02-04. Review status: criteria provided, single submitter. Criteria: GeneDx Variant Classification Process June 2021. Collection method: clinical testing. Allele origin: germline. Affected: yes.
Comment: Has not been previously published as pathogenic or benign to our knowledge; In silico analysis supports that this missense variant has a deleterious effect on protein structure/function

NM_053025.4(MYLK):c.26C>T (p.Ser9Leu)

Gene: MYLK (myosin light chain kinase; minus strand). Cytogenetic location: 3q21.1.
Variant type: single nucleotide variant.
Coding change: c.26C>T on transcript NM_053025.4 (MANE Select); coding-DNA position 26, C replaced by T.
Protein change: p.Ser9Leu; replaces serine 9 with leucine.
Molecular consequence: missense variant. On other transcripts: 5 prime UTR variant (1).
Genome position (GRCh38, 1-based): chr3:123,793,816, G>A on the plus strand (C>T on the coding strand, the complement: MYLK is on the minus strand). VCF-style: chr3-123793816-G-A. GRCh37 (hg19) VCF-style: chr3-123512663-G-A.
Other names: c.-295C>T (NM_001321309.2); c.26C>T, p.Ser9Leu (NM_053026.4, NM_053027.4, NM_053028.4); short protein forms S9L.
Identifiers: ClinVar variation 1315894 (VCV001315894.8), dbSNP rs779148876, ClinGen allele CA069134.
Genomic context (GRCh38, chr3:123,793,816, plus strand): 5'-AGGGGCATGGAGTCAACTCTTGAGGGATCCACACTGAGGGAGGTTTTGGAAATGTGTGAC[G>A]AGGCAACCAGCTTCACATCCCCCATGGTCTGCAAAAAGGAAGGAAGAGGACAAGGTCAGA-3'
Protein context (NP_444253.3, residues 1-19): MGDVKLVA[Ser9Leu]SHISKTSLSV